The following is an entry in ClinVar:

NM_001013838.3(CARMIL2):c.2926C>T (p.Pro976Ser)

Gene: CARMIL2 (capping protein regulator and myosin 1 linker 2; plus strand). Cytogenetic location: 16q22.1.
Variant type: single nucleotide variant.
Coding change: c.2926C>T on transcript NM_001013838.3 (MANE Select); coding-DNA position 2926, C replaced by T.
Protein change: p.Pro976Ser; replaces proline 976 with serine.
Molecular consequence: missense variant.
Genome position (GRCh38, 1-based): chr16:67,653,060, C>T. VCF-style: chr16-67653060-C-T. GRCh37 (hg19) VCF-style: chr16-67686963-C-T.
Other names: c.2818C>T, p.Pro940Ser (NM_001317026.3); short protein forms P940S, P976S.
Identifiers: ClinVar variation 1355967 (VCV001355967.7), dbSNP rs1320281069, ClinGen allele CA396342737.
Genomic context (GRCh38, chr16:67,653,060, plus strand): 5'-TCTGGTGCTGTCCCCTCAGGTGCTGCTGAGGAAGCGGAGCCGGAGCCCGAGCTGGCGGCT[C>T]CGGGAGAAGATGCAGAGCCGCAGGCGGGGCCGTCCGCGCGCGGCTCTCCGAGCCCTGCCG-3'
Protein context (NP_001013860.1, residues 966-986): EAEPEPELAA[Pro976Ser]GEDAEPQAGP

ClinVar aggregate classification (germline): Uncertain significance (1 of 4 stars; one submission).

Allele frequency attached by ClinVar (database versions not stated): gnomAD exomes below 0.00001; gnomAD 0.00001; TOPMed 0.00002.
gnomAD v4.1: 2 of 1,268,262 alleles (0.00016%); highest among the groups gnomAD compares: Admixed American, 0.0078%; no homozygotes.

Submission:

Labcorp Genetics (formerly Invitae), Labcorp
Classification: Uncertain significance. Last evaluated: 2022-05-03. Review status: criteria provided, single submitter. Criteria: Invitae Variant Classification Sherloc (09022015). Collection method: clinical testing. Allele origin: germline.
Comment: This variant is present in population databases (no rsID available, gnomAD 0.02%). This sequence change replaces proline, which is neutral and non-polar, with serine, which is neutral and polar, at codon 976 of the CARMIL2 protein (p.Pro976Ser). This variant has not been reported in the literature in individuals affected with CARMIL2-related conditions. In summary, the available evidence is currently insufficient to determine the role of this variant in disease. Therefore, it has been classified as a Variant of Uncertain Significance. Algorithms developed to predict the effect of missense changes on protein structure and function are either unavailable or do not agree on the potential impact of this missense change (SIFT: "Tolerated"; PolyPhen-2: "Probably Damaging"; Align-GVGD: "Class C0").